The following is an entry in ClinVar:

ClinVar aggregate classification (germline): Pathogenic. Review status: criteria provided, single submitter (1 of 4 stars). 2 submissions from 2 submitters: Pathogenic (1). 1 of the submissions does not count toward it. Last evaluated 2024-10-09.

Conditions:
Rubinstein-Taybi syndrome due to CREBBP mutations (RSTS1). Also called: CREBBP-Related Rubinstein-Taybi Syndrome; RUBINSTEIN SYNDROME; RUBINSTEIN-TAYBI SYNDROME 1, INCOMPLETE; Rubinstein-Taybi syndrome 1; BROAD THUMBS AND GREAT TOES, CHARACTERISTIC FACIES, AND IMPAIRED INTELLECTUAL DEVELOPMENT; BROAD THUMB-HALLUX SYNDROME. Identifiers: Orphanet 353277, Orphanet 783, MedGen C4551859, MONDO:0008393, OMIM 180849.

Submissions (2):

Victorian Clinical Genetics Services, Murdoch Childrens Research Institute
Classification: Pathogenic for Rubinstein-Taybi syndrome due to CREBBP mutations. Last evaluated: 2024-10-09. Review status: criteria provided, single submitter. Criteria: ACMG Guidelines, 2015. Collection method: clinical testing. Allele origin: germline. Inheritance: Autosomal dominant inheritance. Affected: yes.
Comment: Based on the classification scheme VCGS_Germline_v1.3.4, this variant is classified as Pathogenic. Following criteria are met: 0102 - Loss of function is a known mechanism of disease in this gene and is associated with Menke-Hennekam syndrome 1 (MIM# 618332) and Rubinstein-Taybi syndrome (RTS) 1 (MIM# 180849). (I) 0107 - This gene is associated with autosomal dominant disease. (I) 0201 - Variant is predicted to cause nonsense-mediated decay (NMD) and loss of protein (premature termination codon is located at least 54 nucleotides upstream of the final exon-exon junction). (SP) 0251 - This variant is heterozygous. (I) 0301 - Variant is absent from gnomAD (both v2 and v3). (SP) 0701 - Other NMD predicted variants comparable to the one identified in this case have very strong previous evidence for pathogenicity (DECIPHER). (SP) 0803 - This variant has limited previous evidence of pathogenicity in an unrelated individual. This variant has been reported in an individual with RTS (PMID 7630403). (SP) 0905 - No published segregation evidence has been identified for this variant. (SP) Legend: (SP) - Supporting pathogenic, (I) - Information, (SB) - Supporting benign

OMIM
Classification: Pathogenic for RUBINSTEIN-TAYBI SYNDROME 1. Last evaluated: 1995-07-27. Review status: no assertion criteria provided. Collection method: literature only. Allele origin: germline. Not counted in ClinVar's aggregate classification.

Literature cited by the submitters: PubMed 7630403 (cited by Victorian Clinical Genetics Services, Murdoch Childrens Research Institute and OMIM).

NM_004380.3(CREBBP):c.406C>T (p.Gln136Ter)

Gene: CREBBP (CREB binding lysine acetyltransferase; minus strand). Cytogenetic location: 16p13.3.
Variant type: single nucleotide variant.
Coding change: c.406C>T on transcript NM_004380.3 (MANE Select); coding-DNA position 406, C replaced by T.
Protein change: p.Gln136Ter; replaces glutamine 136 with a stop codon.
Molecular consequence: nonsense.
Genome position (GRCh38, 1-based): chr16:3,850,689, G>A on the plus strand (C>T on the coding strand, the complement: CREBBP is on the minus strand). VCF-style: chr16-3850689-G-A. GRCh37 (hg19) VCF-style: chr16-3900690-G-A.
Other names: c.406C>T (NM_004380.2); c.406C>T, p.Gln136Ter (NM_001079846.1); short protein forms Q136*.
Identifiers: ClinVar variation 9428 (VCV000009428.2), dbSNP rs121434624, ClinGen allele CA254809.